The following is an entry in ClinVar:

NM_000430.4(PAFAH1B1):c.955A>G (p.Thr319Ala)

Gene: PAFAH1B1 (platelet activating factor acetylhydrolase 1b regulatory subunit 1; plus strand). Cytogenetic location: 17p13.3.
Variant type: single nucleotide variant.
Coding change: c.955A>G on transcript NM_000430.4 (MANE Select); coding-DNA position 955, A replaced by G.
Protein change: p.Thr319Ala; replaces threonine 319 with alanine.
Molecular consequence: missense variant.
Genome position (GRCh38, 1-based): chr17:2,676,559, A>G. VCF-style: chr17-2676559-A-G. GRCh37 (hg19) VCF-style: chr17-2579853-A-G.
Other names: short protein forms T319A.
Identifiers: ClinVar variation 2129370 (VCV002129370.4), dbSNP rs2544112017, ClinGen allele CA397642238.

ClinVar aggregate classification (germline): Uncertain significance (1 of 4 stars; one submission).

Submission:

Labcorp Genetics (formerly Invitae), Labcorp
Classification: Uncertain significance. Last evaluated: 2025-02-18. Review status: criteria provided, single submitter. Criteria: Invitae Variant Classification Sherloc (09022015). Collection method: clinical testing. Allele origin: germline.
Comment: This sequence change replaces threonine, which is neutral and polar, with alanine, which is neutral and non-polar, at codon 319 of the PAFAH1B1 protein (p.Thr319Ala). This variant is not present in population databases (gnomAD no frequency). This variant has not been reported in the literature in individuals affected with PAFAH1B1-related conditions. ClinVar contains an entry for this variant (Variation ID: 2129370). An algorithm developed to predict the effect of missense changes on protein structure and function (PolyPhen-2) suggests that this variant is likely to be tolerated. In summary, the available evidence is currently insufficient to determine the role of this variant in disease. Therefore, it has been classified as a Variant of Uncertain Significance.